The following is an entry in ClinVar:

NM_198253.3(TERT):c.987G>C (p.Lys329Asn)

Gene: TERT (telomerase reverse transcriptase; minus strand). Cytogenetic location: 5p15.33.
Variant type: single nucleotide variant.
Coding change: c.987G>C on transcript NM_198253.3 (MANE Select); coding-DNA position 987, G replaced by C.
Protein change: p.Lys329Asn; replaces lysine 329 with asparagine.
Molecular consequence: missense variant. On other transcripts: non-coding transcript variant (2).
Genome position (GRCh38, 1-based): chr5:1,293,899, C>G on the plus strand (G>C on the coding strand, the complement: TERT is on the minus strand). VCF-style: chr5-1293899-C-G. GRCh37 (hg19) VCF-style: chr5-1294014-C-G.
Other names: c.987G>C, p.Lys329Asn (NM_001193376.3); short protein forms K329N.
Identifiers: ClinVar variation 1000981 (VCV001000981.9), dbSNP rs892343950, ClinGen allele CA359056016.
Genomic context (GRCh38, chr5:1,293,899, plus strand): 5'-AGAGCTGAGTAGGAAGGAGGGCCGCAGCTGCTCCTTGTCGCCTGAGGAGTAGAGGAAGTG[C>G]TTGGTCTCGGCGTACACCGGGGGACAAGGCGTGTCCCAGGGACGTGGTGGCCGCGATGTG-3'
Protein context (NP_937983.2, residues 319-339): TPCPPVYAET[Lys329Asn]HFLYSSGDKE

ClinVar aggregate classification (germline): Uncertain significance (1 of 4 stars; one submission).

Conditions:
Idiopathic Pulmonary Fibrosis. Also called: Idiopathic fibrosing alveolitis, chronic form; idiopathic fibrosing alveolitis. Identifiers: Orphanet 2032, MedGen C1800706, MeSH D054990, MONDO:0800504.
Dyskeratosis congenita, autosomal dominant 2. Identifiers: MedGen C3151443, MONDO:0013521, OMIM 613989.

Submission:

Labcorp Genetics (formerly Invitae), Labcorp
Classification: Uncertain significance for Dyskeratosis congenita, autosomal dominant 2; Idiopathic Pulmonary Fibrosis. Last evaluated: 2020-07-29. Review status: criteria provided, single submitter. Criteria: Invitae Variant Classification Sherloc (09022015). Collection method: clinical testing. Allele origin: germline.
Comment: This sequence change replaces lysine with asparagine at codon 329 of the TERT protein (p.Lys329Asn). The lysine residue is weakly conserved and there is a moderate physicochemical difference between lysine and asparagine. This variant is not present in population databases (ExAC no frequency). This variant has not been reported in the literature in individuals with TERT-related conditions. Algorithms developed to predict the effect of missense changes on protein structure and function are either unavailable or do not agree on the potential impact of this missense change (SIFT: "Tolerated"; PolyPhen-2: "Possibly Damaging"; Align-GVGD: "Class C0"). In summary, the available evidence is currently insufficient to determine the role of this variant in disease. Therefore, it has been classified as a Variant of Uncertain Significance.